The following is an entry in ClinVar:

ClinVar aggregate classification (germline): Pathogenic. Review status: criteria provided, multiple submitters, no conflicts (2 of 4 stars). 2 submissions from 2 submitters: Pathogenic (2). Last evaluated 2026-01-09.

Conditions:
Bartter syndrome. Identifiers: Orphanet 112, MedGen C0004775, MONDO:0015231.

Allele frequency attached by ClinVar (database versions not stated): gnomAD exomes 0.00003; ExAC 0.00003; gnomAD 0.00001; TOPMed below 0.00001.
gnomAD v4.1: 47 of 1,614,006 alleles (0.0029%); highest among the groups gnomAD compares: Middle Eastern, 0.016%; no homozygotes.

Submissions (2):

Labcorp Genetics (formerly Invitae), Labcorp
Classification: Pathogenic. Last evaluated: 2026-01-09. Review status: criteria provided, single submitter. Criteria: Invitae Variant Classification Sherloc (09022015). Collection method: clinical testing. Allele origin: germline.
Comment: This sequence change replaces arginine, which is basic and polar, with tryptophan, which is neutral and slightly polar, at codon 311 of the KCNJ1 protein (p.Arg311Trp). This variant is present in population databases (rs779747435, gnomAD 0.01%). This missense change has been observed in individual(s) with Bartter syndrome (PMID: 10611379, 18391953, 21865213, 29036958). In at least one individual the data is consistent with being in trans (on the opposite chromosome) from a pathogenic variant. ClinVar contains an entry for this variant (Variation ID: 1804660). An algorithm developed to predict the effect of missense changes on protein structure and function (PolyPhen-2) suggests that this variant is likely to be disruptive. Experimental studies have shown that this missense change affects KCNJ1 function (PMID: 10611379). This variant disrupts the p.Arg311 amino acid residue in KCNJ1. Other variant(s) that disrupt this residue have been determined to be pathogenic (PMID: 10611379, 12086641, 28979772). This suggests that this residue is clinically significant, and that variants that disrupt this residue are likely to be disease-causing. For these reasons, this variant has been classified as Pathogenic.

Women's Health and Genetics/Laboratory Corporation of America, LabCorp
Classification: Pathogenic for Bartter syndrome. Last evaluated: 2022-11-03. Review status: criteria provided, single submitter. Criteria: LabCorp Variant Classification Summary - May 2015. Collection method: clinical testing. Allele origin: germline.
Comment: Variant summary: KCNJ1 c.931C>T (p.Arg311Trp) results in a non-conservative amino acid change located in the inward rectifier potassium channel, C-terminal domain (IPR041647) of the encoded protein sequence. Five of five in-silico tools predict a damaging effect of the variant on protein function. The variant allele was found at a frequency of 3.2e-05 in 251160 control chromosomes (gnomAD). c.931C>T has been reported in the literature in individuals affected with Bartter Syndrome, Type 2 (examples: Schulte_1999, Ji_2008, Brochard_2009, Lee_2012, and Zuo_2020). These data indicate that the variant is likely to be associated with disease. Multiple publications reported experimental evidence that this variant abolishes the normal protein function (examples: Schulte_1999 and Peters_2003). No clinical diagnostic laboratories have submitted clinical-significance assessments for this variant to ClinVar after 2014. Based on the evidence outlined above, the variant was classified as pathogenic.

Literature cited by the submitters: PubMed 10611379 (cited by Labcorp Genetics (formerly Invitae), Labcorp and Women's Health and Genetics/Laboratory Corporation of America, LabCorp); PubMed 18391953 (cited by Labcorp Genetics (formerly Invitae), Labcorp and Women's Health and Genetics/Laboratory Corporation of America, LabCorp); PubMed 21865213 (cited by Labcorp Genetics (formerly Invitae), Labcorp and Women's Health and Genetics/Laboratory Corporation of America, LabCorp); PubMed 29036958 (cited by Labcorp Genetics (formerly Invitae), Labcorp); PubMed 12086641 (cited by Labcorp Genetics (formerly Invitae), Labcorp); PubMed 28979772 (cited by Labcorp Genetics (formerly Invitae), Labcorp); PubMed 19096086 (cited by Women's Health and Genetics/Laboratory Corporation of America, LabCorp); PubMed 12911542 (cited by Women's Health and Genetics/Laboratory Corporation of America, LabCorp); PubMed 33058840 (cited by Women's Health and Genetics/Laboratory Corporation of America, LabCorp).

NM_153766.3(KCNJ1):c.874C>T (p.Arg292Trp)

Gene: KCNJ1 (potassium inwardly rectifying channel subfamily J member 1; minus strand). Cytogenetic location: 11q24.3.
Variant type: single nucleotide variant.
Coding change: c.874C>T on transcript NM_153766.3 (MANE Select); coding-DNA position 874, C replaced by T.
Protein change: p.Arg292Trp; replaces arginine 292 with tryptophan.
Molecular consequence: missense variant.
Genome position (GRCh38, 1-based): chr11:128,839,370, G>A on the plus strand (C>T on the coding strand, the complement: KCNJ1 is on the minus strand). VCF-style: chr11-128839370-G-A. GRCh37 (hg19) VCF-style: chr11-128709265-G-A.
Other names: c.931C>T, p.Arg311Trp (NM_000220.6); c.874C>T, p.Arg292Trp (NM_153764.3, NM_153767.4); c.925C>T, p.Arg309Trp (NM_153765.3); short protein forms R292W, R309W, R311W.
Identifiers: ClinVar variation 1804660 (VCV001804660.4), dbSNP rs779747435, ClinGen allele CA6357435.